The following is an entry in ClinVar:

NM_002474.3(MYH11):c.2540T>G (p.Val847Gly)

Gene: MYH11 (myosin heavy chain 11; minus strand). Cytogenetic location: 16p13.11.
Variant type: single nucleotide variant.
Coding change: c.2540T>G on transcript NM_002474.3 (MANE Select); coding-DNA position 2540, T replaced by G.
Protein change: p.Val847Gly; replaces valine 847 with glycine.
Molecular consequence: missense variant.
Genome position (GRCh38, 1-based): chr16:15,741,872, A>C on the plus strand (T>G on the coding strand, the complement: MYH11 is on the minus strand). VCF-style: chr16-15741872-A-C. GRCh37 (hg19) VCF-style: chr16-15835729-A-C.
Other names: c.2561T>G, p.Val854Gly (NM_001040113.2, NM_001040114.2); c.2540T>G, p.Val847Gly (NM_022844.3); short protein forms V847G, V854G.
Identifiers: ClinVar variation 5025067 (VCV005025067.1).
Genomic context (GRCh38, chr16:15,741,872, plus strand): 5'-CGCTCCTTGGTCTTCTGCAGTTCATCCTCCTTGGCCTGCATCTCCTCCTCCTGCCGTGTC[A>C]CCTGCAGCAGTGGCTTCACCTGCACACACACGGTTAGCCCATCATTTGTTTTTGTGGCAA-3'
Protein context (NP_002465.1, residues 837-857): LFTKVKPLLQ[Val847Gly]TRQEEEMQAK

ClinVar aggregate classification (germline): Uncertain significance (1 of 4 stars; one submission).

Conditions:
Familial thoracic aortic aneurysm and aortic dissection (TAAD). Also called: Thoracic aortic aneurysms and dissections. Identifiers: Orphanet 91387, MedGen C4707243, MONDO:0019625.

Submission:

Ambry Genetics
Classification: Uncertain significance for Familial thoracic aortic aneurysm and aortic dissection. Last evaluated: 2026-07-02. Review status: criteria provided, single submitter. Criteria: Ambry Variant Classification Scheme 2023. Collection method: clinical testing. Allele origin: germline.
Comment: The p.V847G variant (also known as c.2540T>G), located in coding exon 20 of the MYH11 gene, results from a T to G substitution at nucleotide position 2540. The valine at codon 847 is replaced by glycine, an amino acid with dissimilar properties. This amino acid position is conserved. In addition, this alteration is predicted to be deleterious by in silico analysis. Based on the available evidence, the clinical significance of this variant remains unclear.